The following is an entry in ClinVar:

ClinVar aggregate classification (germline): Likely benign. Review status: criteria provided, multiple submitters, no conflicts (2 of 4 stars). 2 submissions from 2 submitters: Likely benign (2). Last evaluated 2026-04-01.

gnomAD v4.1: 148 of 1,606,220 alleles (0.0092%); highest among the groups gnomAD compares: East Asian, 0.089%; 1 homozygote.

Submissions (2):

CeGaT Center for Human Genetics Tuebingen
Classification: Likely benign. Last evaluated: 2026-04-01. Review status: criteria provided, single submitter. Criteria: CeGaT Center For Human Genetics Tuebingen Variant Classification Criteria Version 2. Collection method: clinical testing. Allele origin: germline. Affected: yes. Observed: 1 variant allele.
Comment: GOSR2: BP4, BP7

Blueprint Genetics
Classification: Likely benign. Last evaluated: 2023-10-12. Review status: criteria provided, single submitter. Criteria: ACMG Guidelines, 2015. Collection method: clinical testing. Allele origin: germline.

NM_004287.5(GOSR2):c.477+87G>A

Genes: GOSR2 (golgi SNAP receptor complex member 2; plus strand), LRRC37A2 (leucine rich repeat containing 37 member A2). Cytogenetic location: 17q21.32.
Variant type: single nucleotide variant.
Coding change: c.477+87G>A on transcript NM_004287.5 (MANE Select); 87 bases into the intron after coding-DNA position 477, G replaced by A.
Molecular consequence: intron variant. On other transcripts: synonymous variant (1).
Genome position (GRCh38, 1-based): chr17:46,935,256, G>A. VCF-style: chr17-46935256-G-A. GRCh37 (hg19) VCF-style: chr17-45012622-G-A.
Other names: c.564G>A, p.Thr188= (NM_001012511.3); c.477+87G>A (NM_001321133.2, NM_054022.4); c.423+87G>A (NM_001363851.2); c.282+3057G>A (NM_001321134.2); c.336+3057G>A (NM_001330252.2); c.474+87G>A (NM_001353114.2); c.333+3057G>A (NM_001353115.2, NM_001353116.2).
Identifiers: ClinVar variation 4873969 (VCV004873969.3).
Genomic context (GRCh38, chr17:46,935,256, plus strand): 5'-GAAGGCCTCTTGTTTTAGCCTCATCCAACAGTTTAGTAACTGTGTTTATATTTTGATTAC[G>A]TGTCCTCAAATTGTGATATTTTGATGACAAGACAGAGCCCTTGAGTTTGGGATCCTTTCT-3'